The following is an entry in ClinVar:

ClinVar aggregate classification (germline): Uncertain significance. Review status: criteria provided, multiple submitters, no conflicts (2 of 4 stars). 2 submissions from 2 submitters: Uncertain significance (2). Last evaluated 2025-07-10.

Conditions:
Neurofibromatosis, type 1 (NF1). Also called: VON RECKLINGHAUSEN DISEASE; NEUROFIBROMATOSIS, TYPE I, SOMATIC; Neurofibromatosis, type I; Peripheral type neurofibromatosis. Identifiers: Orphanet 636, MedGen C0027831, MONDO:0018975, OMIM 162200. Disease mechanism: loss of function.
Hereditary cancer-predisposing syndrome. Also called: Tumor predisposition; Hereditary neoplastic syndrome; Neoplastic Syndromes, Hereditary; Hereditary Cancer Syndrome. Identifiers: Orphanet 140162, MedGen C0027672, MeSH D009386, MONDO:0015356.
Cardiovascular phenotype. Identifiers: MedGen CN230736.

gnomAD v4.1: 1 of 1,608,700 alleles (0.000062%); highest among the groups gnomAD compares: Non-Finnish European, 0.000085%; no homozygotes.

Submissions (2):

Ambry Genetics
Classification: Uncertain significance for Cardiovascular phenotype; Hereditary cancer-predisposing syndrome. Last evaluated: 2025-07-10. Review status: criteria provided, single submitter. Criteria: Ambry Variant Classification Scheme 2023. Collection method: clinical testing. Allele origin: germline.
Comment: The p.Y998F variant (also known as c.2993A>T), located in coding exon 23 of the NF1 gene, results from an A to T substitution at nucleotide position 2993. The tyrosine at codon 998 is replaced by phenylalanine, an amino acid with highly similar properties. This amino acid position is conserved. In addition, this alteration is predicted to be tolerated by in silico analysis. Since supporting evidence is limited at this time, the clinical significance of this alteration remains unclear.

Labcorp Genetics (formerly Invitae), Labcorp
Classification: Uncertain significance for Neurofibromatosis, type 1. Last evaluated: 2021-12-05. Review status: criteria provided, single submitter. Criteria: Invitae Variant Classification Sherloc (09022015). Collection method: clinical testing. Allele origin: germline.
Comment: This sequence change replaces tyrosine, which is neutral and polar, with phenylalanine, which is neutral and non-polar, at codon 998 of the NF1 protein (p.Tyr998Phe). This variant is not present in population databases (gnomAD no frequency). This variant has not been reported in the literature in individuals affected with NF1-related conditions. Algorithms developed to predict the effect of missense changes on protein structure and function are either unavailable or do not agree on the potential impact of this missense change (SIFT: "Tolerated"; PolyPhen-2: "Probably Damaging"; Align-GVGD: "Class C0"). In summary, the available evidence is currently insufficient to determine the role of this variant in disease. Therefore, it has been classified as a Variant of Uncertain Significance.

NM_001042492.3(NF1):c.2993A>T (p.Tyr998Phe)

Gene: NF1 (neurofibromin 1; plus strand). Cytogenetic location: 17q11.2.
Variant type: single nucleotide variant.
Coding change: c.2993A>T on transcript NM_001042492.3 (MANE Select); coding-DNA position 2993, A replaced by T.
Protein change: p.Tyr998Phe; replaces tyrosine 998 with phenylalanine.
Molecular consequence: missense variant.
Genome position (GRCh38, 1-based): chr17:31,230,262, A>T. VCF-style: chr17-31230262-A-T. GRCh37 (hg19) VCF-style: chr17-29557280-A-T.
Other names: c.2993A>T, p.Tyr998Phe (NM_000267.4); short protein forms Y998F.
Identifiers: ClinVar variation 2033042 (VCV002033042.7), dbSNP rs1555614496, ClinGen allele CA398986511.